The following is an entry in ClinVar:

ClinVar aggregate classification (germline): Uncertain significance. Review status: criteria provided, single submitter (1 of 4 stars). 2 submissions from 2 submitters: Uncertain significance (1). 1 of the submissions does not count toward it. Last evaluated 2024-12-16.

Conditions:
Early Myoclonic Encephalopathy. Identifiers: MedGen C0270855.

Allele frequency attached by ClinVar (database versions not stated): gnomAD 0.00002; gnomAD exomes 0.00002; TOPMed 0.00002; ExAC 0.00002.
gnomAD v4.1: 38 of 1,613,350 alleles (0.0024%); highest among the groups gnomAD compares: East Asian, 0.0045%; no homozygotes.

Submissions (2):

Labcorp Genetics (formerly Invitae), Labcorp
Classification: Uncertain significance for Early Myoclonic Encephalopathy. Last evaluated: 2024-12-16. Review status: criteria provided, single submitter. Criteria: Invitae Variant Classification Sherloc (09022015). Collection method: clinical testing. Allele origin: germline.
Comment: This sequence change replaces proline, which is neutral and non-polar, with leucine, which is neutral and non-polar, at codon 163 of the JMJD1C protein (p.Pro163Leu). This variant is present in population databases (rs766449028, gnomAD 0.006%). This missense change has been observed in individual(s) with a clinical diagnosis of Rett syndrome (PMID: 26181491). ClinVar contains an entry for this variant (Variation ID: 267299). An algorithm developed to predict the effect of missense changes on protein structure and function (PolyPhen-2) suggests that this variant is likely to be disruptive. In summary, the available evidence is currently insufficient to determine the role of this variant in disease. Therefore, it has been classified as a Variant of Uncertain Significance.

OMIM
Classification: Uncertain significance for VARIANT OF UNKNOWN SIGNIFICANCE. Last evaluated: 2016-10-25. Review status: no assertion criteria provided. Collection method: literature only. Allele origin: germline. Not counted in ClinVar's aggregate classification.

Literature cited by the submitters: PubMed 26181491 (cited by Labcorp Genetics (formerly Invitae), Labcorp and OMIM).

NM_032776.3(JMJD1C):c.488C>T (p.Pro163Leu)

Gene: JMJD1C (jumonji domain containing 1C; minus strand). Cytogenetic location: 10q21.3.
Variant type: single nucleotide variant.
Coding change: c.488C>T on transcript NM_032776.3 (MANE Select); coding-DNA position 488, C replaced by T.
Protein change: p.Pro163Leu; replaces proline 163 with leucine.
Molecular consequence: missense variant. On other transcripts: 5 prime UTR variant (3), intron variant (2).
Genome position (GRCh38, 1-based): chr10:63,219,943, G>A on the plus strand (C>T on the coding strand, the complement: JMJD1C is on the minus strand). VCF-style: chr10-63219943-G-A. GRCh37 (hg19) VCF-style: chr10-64979703-G-A.
Other names: c.-59C>T (NM_001282948.2, NM_001318154.2); c.-381C>T (NM_001318153.2); c.374C>T, p.Pro125Leu (NM_001322252.2); c.-104-2612C>T (NM_001322258.2, NM_001322254.2); short protein forms P163L, P125L.
Identifiers: ClinVar variation 267299 (VCV000267299.10), dbSNP rs766449028, ClinGen allele CA5519022.
Genomic context (GRCh38, chr10:63,219,943, plus strand): 5'-ATAAAAATCTCCTGAACCTTTTGTTCCTTTACCCAGACTTTCACTTCCTCATGAAGCTGC[G>A]GGTTGTCCCTGAGAACTGGGTTTAGGCTGTCTATGTCGTCCTAGAATTATAGATTAAAAG-3'
Protein context (NP_116165.1, residues 153-173): DSLNPVLRDN[Pro163Leu]QLHEEVKVWV